The following is an entry in ClinVar:

NM_002049.4(GATA1):c.529G>A (p.Gly177Arg)

Gene: GATA1 (GATA binding protein 1; plus strand). Cytogenetic location: Xp11.23.
Variant type: single nucleotide variant.
Coding change: c.529G>A on transcript NM_002049.4 (MANE Select); coding-DNA position 529, G replaced by A.
Protein change: p.Gly177Arg; replaces glycine 177 with arginine.
Molecular consequence: missense variant.
Genome position (GRCh38, 1-based): chrX:48,792,152, G>A. VCF-style: chrX-48792152-G-A. GRCh37 (hg19) VCF-style: chrX-48650559-G-A.
Other names: short protein forms G177R.
Identifiers: ClinVar variation 573549 (VCV000573549.11), dbSNP rs1482381233, ClinGen allele CA412869725.
Genomic context (GRCh38, chrX:48,792,152, plus strand): 5'-CCTGTCCCCAATAGTGCTTATGGGGGCCCTGACTTTTCCAGTACCTTCTTTTCTCCCACC[G>A]GGAGCCCCCTCAATTCAGCAGCCTATTCCTCTCCCAAGCTTCGTGGAACTCTCCCCCTGC-3'
Protein context (NP_002040.1, residues 167-187): DFSSTFFSPT[Gly177Arg]SPLNSAAYSS

ClinVar aggregate classification (germline): Uncertain significance (1 of 4 stars; one submission).

Conditions:
Diamond-Blackfan anemia. Also called: Blackfan Diamond syndrome; Aregenerative anemia chronic congenital; Red cell aplasia, pure hereditary; Congenital hypoplastic anemia; Aase syndrome. Identifiers: Orphanet 124, MedGen C1260899, MeSH D029503, MONDO:0015253, HP:0004810.
GATA binding protein 1 related thrombocytopenia with dyserythropoiesis. Also called: GATA1-Related X-Linked Cytopenia; GATA1-Related Cytopenia. Identifiers: MedGen C1845837, MONDO:0100089.

Allele frequency attached by ClinVar (database versions not stated): gnomAD exomes below 0.00001; TOPMed 0.00001.

Submission:

Labcorp Genetics (formerly Invitae), Labcorp
Classification: Uncertain significance for GATA binding protein 1 related thrombocytopenia with dyserythropoiesis; Diamond-Blackfan anemia. Last evaluated: 2024-10-21. Review status: criteria provided, single submitter. Criteria: Invitae Variant Classification Sherloc (09022015). Collection method: clinical testing. Allele origin: germline.
Comment: This sequence change replaces glycine, which is neutral and non-polar, with arginine, which is basic and polar, at codon 177 of the GATA1 protein (p.Gly177Arg). This variant is not present in population databases (gnomAD no frequency). This variant has not been reported in the literature in individuals affected with GATA1-related conditions. ClinVar contains an entry for this variant (Variation ID: 573549). Invitae Evidence Modeling of protein sequence and biophysical properties (such as structural, functional, and spatial information, amino acid conservation, physicochemical variation, residue mobility, and thermodynamic stability) indicates that this missense variant is not expected to disrupt GATA1 protein function with a negative predictive value of 95%. Algorithms developed to predict the effect of sequence changes on RNA splicing suggest that this variant may create or strengthen a splice site. In summary, the available evidence is currently insufficient to determine the role of this variant in disease. Therefore, it has been classified as a Variant of Uncertain Significance.